The following is an entry in ClinVar:

NM_004928.3(CFAP410):c.643-147C>T

Gene: CFAP410 (cilia and flagella associated protein 410; minus strand). Cytogenetic location: 21q22.3.
Variant type: single nucleotide variant.
Coding change: c.643-147C>T on transcript NM_004928.3 (MANE Select); 147 bases into the intron before coding-DNA position 643, C replaced by T.
Molecular consequence: intron variant. On other transcripts: missense variant (1).
Genome position (GRCh38, 1-based): chr21:44,330,473, G>A on the plus strand (C>T on the coding strand, the complement: CFAP410 is on the minus strand). VCF-style: chr21-44330473-G-A. GRCh37 (hg19) VCF-style: chr21-45750356-G-A.
Other names: c.989C>T, p.Pro330Leu (NM_001271441.2); c.640-147C>T (NM_001271440.2); c.517-147C>T (NM_001271442.1); short protein forms P330L.
Identifiers: ClinVar variation 3030247 (VCV003030247.2), dbSNP rs772290599, ClinGen allele CA10053527.

ClinVar aggregate classification (germline): Uncertain significance (0 of 4 stars; one submission).

Conditions:
CFAP410-related disorder. Also called: CFAP410-related condition.

Allele frequency attached by ClinVar (database versions not stated): gnomAD 0.00005; TOPMed 0.00005.

Submission:

PreventionGenetics, part of Exact Sciences
Classification: Uncertain significance for CFAP410-related condition. Last evaluated: 2024-01-02. Review status: no assertion criteria provided. Collection method: clinical testing. Allele origin: germline.
Comment: The CFAP410 c.989C>T variant is predicted to result in the amino acid substitution p.Pro330Leu. To our knowledge, this variant has not been reported in the literature. This variant is reported in 0.013% of alleles in individuals of African descent in gnomAD. At this time, the clinical significance of this variant is uncertain due to the absence of conclusive functional and genetic evidence.